The following is an entry in ClinVar:

ClinVar aggregate classification (germline): Uncertain significance (1 of 4 stars; one submission).

Conditions:
Hereditary cancer-predisposing syndrome. Also called: Neoplastic Syndromes, Hereditary; Tumor predisposition; Hereditary Cancer Syndrome; Hereditary neoplastic syndrome. Identifiers: Orphanet 140162, MedGen C0027672, MeSH D009386, MONDO:0015356.

Submission:

Ambry Genetics
Classification: Uncertain significance for Hereditary cancer-predisposing syndrome. Last evaluated: 2020-10-02. Review status: criteria provided, single submitter. Criteria: Ambry Variant Classification Scheme 2023. Collection method: clinical testing. Allele origin: germline.
Comment: The p.I991T variant (also known as c.2972T>C), located in coding exon 26 of the TSC2 gene, results from a T to C substitution at nucleotide position 2972. The isoleucine at codon 991 is replaced by threonine, an amino acid with similar properties. This amino acid position is not well conserved in available vertebrate species. In addition, the in silico prediction for this alteration is inconclusive. Since supporting evidence is limited at this time, the clinical significance of this alteration remains unclear.

NM_000548.5(TSC2):c.2972T>C (p.Ile991Thr)

Gene: TSC2 (TSC complex subunit 2; plus strand). Cytogenetic location: 16p13.3.
Variant type: single nucleotide variant.
Coding change: c.2972T>C on transcript NM_000548.5 (MANE Select); coding-DNA position 2972, T replaced by C.
Protein change: p.Ile991Thr; replaces isoleucine 991 with threonine.
Molecular consequence: missense variant.
Genome position (GRCh38, 1-based): chr16:2,079,037, T>C. VCF-style: chr16-2079037-T-C. GRCh37 (hg19) VCF-style: chr16-2129038-T-C.
Other names: c.2840T>C, p.Ile947Thr (NM_001077183.3, NM_001370404.1, NM_001406665.1); c.2972T>C, p.Ile991Thr (NM_001114382.3); c.2732T>C, p.Ile911Thr (NM_001318827.2); c.2696T>C, p.Ile899Thr (NM_001318829.2); c.2240T>C, p.Ile747Thr (NM_001318831.2, NM_001406687.1, NM_001406688.1); c.2873T>C, p.Ile958Thr (NM_001318832.2); c.2843T>C, p.Ile948Thr (NM_001363528.2, NM_001370405.1, NM_021055.3); c.2969T>C, p.Ile990Thr (NM_001406663.1, NM_001406664.1); and 18 more; short protein forms I748T, I790T, I943T, I958T, I978T, I413T, I500T, I794T.
Identifiers: ClinVar variation 1798302 (VCV001798302.2), dbSNP rs2151430075, ClinGen allele CA394283492.